The following is an entry in ClinVar:

NM_000465.4(BARD1):c.787A>T (p.Ser263Cys)

Gene: BARD1 (BRCA1 associated RING domain 1; minus strand). Cytogenetic location: 2q35.
Variant type: single nucleotide variant.
Coding change: c.787A>T on transcript NM_000465.4 (MANE Select); coding-DNA position 787, A replaced by T.
Protein change: p.Ser263Cys; replaces serine 263 with cysteine.
Molecular consequence: missense variant. On other transcripts: non-coding transcript variant (2), intron variant (3).
Genome position (GRCh38, 1-based): chr2:214,781,087, T>A on the plus strand (A>T on the coding strand, the complement: BARD1 is on the minus strand). VCF-style: chr2-214781087-T-A. GRCh37 (hg19) VCF-style: chr2-215645811-T-A.
Other names: c.730A>T, p.Ser244Cys (NM_001282543.2); c.158+28325A>T (NM_001282548.2); c.215+15974A>T (NM_001282545.2); c.364+11210A>T (NM_001282549.2); c.787A>T (NM_000465.2); short protein forms S263C, S244C.
Identifiers: ClinVar variation 575546 (VCV000575546.10), dbSNP rs1559424979, ClinGen allele CA350455752.

ClinVar aggregate classification (germline): Uncertain significance. Review status: criteria provided, multiple submitters, no conflicts (2 of 4 stars). 2 submissions from 2 submitters: Uncertain significance (2). Last evaluated 2024-01-20.

Conditions:
Hereditary cancer-predisposing syndrome. Also called: Tumor predisposition; Hereditary neoplastic syndrome; Hereditary Cancer Syndrome; Neoplastic Syndromes, Hereditary. Identifiers: Orphanet 140162, MedGen C0027672, MeSH D009386, MONDO:0015356.
Familial cancer of breast. Also called: hereditary breast carcinoma; BREAST CANCER, FAMILIAL; Hereditary breast cancer. Identifiers: Orphanet 227535, MedGen C0346153, MONDO:0016419, OMIM 114480. Disease mechanism: loss of function.

Submissions (2):

Ambry Genetics
Classification: Uncertain significance for Hereditary cancer-predisposing syndrome. Last evaluated: 2024-01-20. Review status: criteria provided, single submitter. Criteria: Ambry Variant Classification Scheme 2023. Collection method: clinical testing. Allele origin: germline.
Comment: The p.S263C variant (also known as c.787A>T), located in coding exon 4 of the BARD1 gene, results from an A to T substitution at nucleotide position 787. The serine at codon 263 is replaced by cysteine, an amino acid with dissimilar properties. This amino acid position is conserved. In addition, the in silico prediction for this alteration is inconclusive. Based on the available evidence, the clinical significance of this alteration remains unclear.

Labcorp Genetics (formerly Invitae), Labcorp
Classification: Uncertain significance for Familial cancer of breast. Last evaluated: 2021-06-23. Review status: criteria provided, single submitter. Criteria: Invitae Variant Classification Sherloc (09022015). Collection method: clinical testing. Allele origin: germline.
Comment: In summary, the available evidence is currently insufficient to determine the role of this variant in disease. Therefore, it has been classified as a Variant of Uncertain Significance. Algorithms developed to predict the effect of missense changes on protein structure and function do not agree on the potential impact of this missense change (SIFT: "Deleterious"; PolyPhen-2: "Possibly Damaging"; Align-GVGD: "Class C15"). This variant has not been reported in the literature in individuals with BARD1-related disease. This variant is not present in population databases (ExAC no frequency). This sequence change replaces serine with cysteine at codon 263 of the BARD1 protein (p.Ser263Cys). The serine residue is moderately conserved and there is a moderate physicochemical difference between serine and cysteine.